The following is an entry in ClinVar:

ClinVar aggregate classification (germline): Conflicting classifications of pathogenicity. Review status: criteria provided, conflicting classifications (1 of 4 stars). 3 submissions from 3 submitters: Uncertain significance (2); Likely benign (1). Last evaluated 2022-12-01.

Allele frequency attached by ClinVar (database versions not stated): gnomAD 0.00001 and 0.00003; gnomAD exomes 0.00002 and 0.00160; 1000 Genomes Project 0.00198; ExAC 0.00553; TOPMed 0.80483.
gnomAD v4.1: 17 of 1,253,938 alleles (0.0014%); highest among the groups gnomAD compares: East Asian, 0.005%; no homozygotes.

Submissions (3):

CeGaT Center for Human Genetics Tuebingen
Classification: Likely benign. Last evaluated: 2022-12-01. Review status: criteria provided, single submitter. Criteria: CeGaT Center For Human Genetics Tuebingen Variant Classification Criteria Version 2. Collection method: clinical testing. Allele origin: germline. Affected: yes. Observed: 1 variant allele.
Comment: SPRED1: BS2

Eurofins Ntd Llc (ga)
Classification: Uncertain significance. Last evaluated: 2017-02-02. Review status: criteria provided, single submitter. Criteria: EGL Classification Definitions 2015. Collection method: clinical testing. Allele origin: germline. Observed: 1 variant allele, 1 homozygote.

Breakthrough Genomics
Classification: Uncertain significance. Review status: criteria provided, single submitter. Criteria: ACMG Guidelines, 2015. Collection method: not provided. Allele origin: germline. Inheritance: Autosomal dominant inheritance. Affected: yes.

NM_152594.3(SPRED1):c.684+50A>T

Gene: SPRED1 (sprouty related EVH1 domain containing 1; plus strand). Cytogenetic location: 15q14.
Variant type: single nucleotide variant.
Coding change: c.684+50A>T on transcript NM_152594.3 (MANE Select); 50 bases into the intron after coding-DNA position 684, A replaced by T.
Molecular consequence: intron variant.
Genome position (GRCh38, 1-based): chr15:38,349,573, A>T. VCF-style: chr15-38349573-A-T. GRCh37 (hg19) VCF-style: chr15-38641774-A-T.
Identifiers: ClinVar variation 41454 (VCV000041454.30), dbSNP rs200338097, ClinGen allele CA215456.
Genomic context (GRCh38, chr15:38,349,573, plus strand): 5'-CCCAAAATAGGGTAAGTAATGTTAGTTTATCTTGTGATATGGAATTTAACTAATTAATAG[A>T]TAGGTAAAGTTTTCCAGTCTTTCTAATTCTCCATATAGTTGAATTGTACTAGAAAATTTT-3'